The following is an entry in ClinVar:

NM_001372.4(DNAH9):c.9347A>T (p.Asp3116Val)

Gene: DNAH9 (dynein axonemal heavy chain 9; plus strand). Cytogenetic location: 17p12.
Variant type: single nucleotide variant.
Coding change: c.9347A>T on transcript NM_001372.4 (MANE Select); coding-DNA position 9347, A replaced by T.
Protein change: p.Asp3116Val; replaces aspartic acid 3116 with valine.
Molecular consequence: missense variant.
Genome position (GRCh38, 1-based): chr17:11,834,738, A>T. VCF-style: chr17-11834738-A-T. GRCh37 (hg19) VCF-style: chr17-11738055-A-T.
Other names: short protein forms D3116V.
Identifiers: ClinVar variation 4617651 (VCV004617651.2).

ClinVar aggregate classification (germline): Uncertain significance. Review status: criteria provided, multiple submitters, no conflicts (2 of 4 stars). 2 submissions from 2 submitters: Uncertain significance (2). Last evaluated 2025-11-05.

Conditions:
Inborn genetic diseases. Identifiers: MedGen C0950123, MeSH D030342.

gnomAD v4.1: 14 of 1,614,004 alleles (0.00087%); highest among the groups gnomAD compares: African/African-American, 0.016%; no homozygotes.

Submissions (2):

Ambry Genetics
Classification: Uncertain significance for Inborn genetic diseases. Last evaluated: 2025-11-05. Review status: criteria provided, single submitter. Criteria: Ambry Variant Classification Scheme 2023. Collection method: clinical testing. Allele origin: germline.

Labcorp Genetics (formerly Invitae), Labcorp
Classification: Uncertain significance. Last evaluated: 2025-02-15. Review status: criteria provided, single submitter. Criteria: Invitae Variant Classification Sherloc (09022015). Collection method: clinical testing. Allele origin: germline.
Comment: This sequence change replaces aspartic acid, which is acidic and polar, with valine, which is neutral and non-polar, at codon 3116 of the DNAH9 protein (p.Asp3116Val). This variant is present in population databases (rs142590405, gnomAD 0.04%). This variant has not been reported in the literature in individuals affected with DNAH9-related conditions. Invitae Evidence Modeling of protein sequence and biophysical properties (such as structural, functional, and spatial information, amino acid conservation, physicochemical variation, residue mobility, and thermodynamic stability) indicates that this missense variant is not expected to disrupt DNAH9 protein function with a negative predictive value of 80%. In summary, the available evidence is currently insufficient to determine the role of this variant in disease. Therefore, it has been classified as a Variant of Uncertain Significance.